The following is an entry in ClinVar:

ClinVar aggregate classification (germline): Likely pathogenic (1 of 4 stars; one submission).

Conditions:
Primary ciliary dyskinesia 27. Also called: CILIARY DYSKINESIA, PRIMARY, 27, WITHOUT SITUS INVERSUS. Identifiers: Orphanet 244, MedGen C3809701, MONDO:0014215, OMIM 615504.

gnomAD v4.1: 4 of 1,613,524 alleles (0.00025%); highest among the groups gnomAD compares: Middle Eastern, 0.016%; no homozygotes.

Submission:

Labcorp Genetics (formerly Invitae), Labcorp
Classification: Likely pathogenic for Primary ciliary dyskinesia 27. Last evaluated: 2025-12-01. Review status: criteria provided, single submitter. Criteria: Invitae Variant Classification Sherloc (09022015). Collection method: clinical testing. Allele origin: germline.
Comment: This sequence change affects a donor splice site in intron 5 of the CCDC65 gene. It is expected to disrupt RNA splicing. Variants that disrupt the donor or acceptor splice site typically lead to a loss of protein function (PMID: 16199547), and loss-of-function variants in CCDC65 are known to be pathogenic (PMID: 23991085, 24094744). This variant is not present in population databases (gnomAD no frequency). This variant has not been reported in the literature in individuals affected with CCDC65-related conditions. Algorithms developed to predict the effect of sequence changes on RNA splicing suggest that this variant may disrupt the consensus splice site. In summary, the currently available evidence indicates that the variant is pathogenic, but additional data are needed to prove that conclusively. Therefore, this variant has been classified as Likely Pathogenic.

Literature cited by the submitters: PubMed 16199547; PubMed 23991085; PubMed 24094744.

NM_033124.5(DRC2):c.807+1G>C

Gene: DRC2 (dynein regulatory complex subunit 2; plus strand). Cytogenetic location: 12q13.12.
Variant type: single nucleotide variant.
Coding change: c.807+1G>C on transcript NM_033124.5 (MANE Select); the canonical splice donor site of the intron after coding-DNA position 807, G replaced by C.
Molecular consequence: splice donor variant.
Genome position (GRCh38, 1-based): chr12:48,918,473, G>C. VCF-style: chr12-48918473-G-C. GRCh37 (hg19) VCF-style: chr12-49312256-G-C.
Other names: c.378+1G>C (NM_001286957.2).
Identifiers: ClinVar variation 4793393 (VCV004793393.1).